The following is an entry in ClinVar:

NM_000051.4(ATM):c.5398G>T (p.Glu1800Ter)

Gene: ATM (ATM serine/threonine kinase; plus strand). Cytogenetic location: 11q22.3.
Variant type: single nucleotide variant.
Coding change: c.5398G>T on transcript NM_000051.4 (MANE Select); coding-DNA position 5398, G replaced by T.
Protein change: p.Glu1800Ter; replaces glutamic acid 1800 with a stop codon.
Molecular consequence: nonsense.
Genome position (GRCh38, 1-based): chr11:108,302,931, G>T. VCF-style: chr11-108302931-G-T. GRCh37 (hg19) VCF-style: chr11-108173658-G-T.
Other names: c.5398G>T, p.Glu1800Ter (NM_001351834.2); short protein forms E1800*.
Identifiers: ClinVar variation 4843923 (VCV004843923.1).

ClinVar aggregate classification (germline): Pathogenic (1 of 4 stars; one submission).

Conditions:
Hereditary cancer-predisposing syndrome. Also called: Neoplastic Syndromes, Hereditary; Tumor predisposition; Hereditary Cancer Syndrome; Hereditary neoplastic syndrome. Identifiers: Orphanet 140162, MedGen C0027672, MeSH D009386, MONDO:0015356.

Submission:

Ambry Genetics
Classification: Pathogenic for Hereditary cancer-predisposing syndrome. Last evaluated: 2026-01-07. Review status: criteria provided, single submitter. Criteria: Ambry Variant Classification Scheme 2023. Collection method: clinical testing. Allele origin: germline.
Comment: The p.E1800* variant (also known as c.5398G>T), located in coding exon 35 of the ATM gene, results from a G to T substitution at nucleotide position 5398. This changes the amino acid from a glutamic acid to a stop codon within coding exon 35. This variant is considered to be rare based on population cohorts in the Genome Aggregation Database (gnomAD). This alteration is expected to result in loss of function by premature protein truncation or nonsense-mediated mRNA decay. As such, this alteration is interpreted as a disease-causing mutation.